The following is an entry in ClinVar:

NM_004320.6(ATP2A1):c.*37+155G>A

Gene: ATP2A1 (ATPase sarcoplasmic/endoplasmic reticulum Ca2+ transporting 1; plus strand). Cytogenetic location: 16p11.2.
Variant type: single nucleotide variant.
Coding change: c.*37+155G>A on transcript NM_004320.6 (MANE Select); 155 bases into the intron after 37 bases downstream of the stop codon, G replaced by A.
Molecular consequence: intron variant.
Genome position (GRCh38, 1-based): chr16:28,903,896, G>A. VCF-style: chr16-28903896-G-A. GRCh37 (hg19) VCF-style: chr16-28915217-G-A.
Other names: c.2981-284G>A (NM_173201.5); c.*37+155G>A (NM_001286075.2).
Identifiers: ClinVar variation 678094 (VCV000678094.2), dbSNP rs8046545, ClinGen allele CA14245014.

ClinVar aggregate classification (germline): Benign. Review status: criteria provided, multiple submitters, no conflicts (2 of 4 stars). 2 submissions from 2 submitters: Benign (2). Last evaluated 2018-06-14.

Allele frequency attached by ClinVar (database versions not stated): gnomAD exomes 0.67898; gnomAD 0.73801 and 0.73947; TOPMed 0.74868; 1000 Genomes Project 30x 0.81277; 1000 Genomes Project 0.81669.
gnomAD v4.1: 567,381 of 820,674 alleles (69%); highest among the groups gnomAD compares: African/African-American, 93%; 201,145 homozygotes.

Submissions (2):

GeneDx
Classification: Benign. Last evaluated: 2018-06-14. Review status: criteria provided, single submitter. Criteria: GeneDx Variant Classification (06012015). Collection method: clinical testing. Allele origin: germline. Affected: yes.
Comment: This variant is considered likely benign or benign based on one or more of the following criteria: it is a conservative change, it occurs at a poorly conserved position in the protein, it is predicted to be benign by multiple in silico algorithms, and/or has population frequency not consistent with disease.

Breakthrough Genomics
Classification: Benign. Review status: criteria provided, single submitter. Criteria: ACMG Guidelines, 2015. Collection method: not provided. Allele origin: germline. Inheritance: Autosomal recessive inheritance. Affected: yes.